The following is an entry in ClinVar:

NM_018834.6(MATR3):c.2530AAG[1] (p.Lys845del)

Gene: MATR3 (matrin 3; plus strand). Cytogenetic location: 5q31.2.
Variant type: Microsatellite.
Coding change: c.2530AAG[1] on transcript NM_018834.6 (MANE Select); one copy of the 3-base unit AAG starting at c.2530; the reference has two copies in a row; one copy, 3 bases deleted.
Protein change: p.Lys845del; deletes lysine 845.
Molecular consequence: inframe deletion.
Genome position (GRCh38, 1-based): chr5:139,329,384-139,329,386, AAG deleted; deleting any 3 consecutive bases within chr5:139,329,379-139,329,386 gives the same sequence; the position shown is the placement nearest the transcript's 3' end. VCF-style (leftmost placement, unchanged base first): chr5-139329378-CAGA-C. GRCh37 (hg19) VCF-style: chr5-138665067-CAGA-C.
Other names: c.1666AAG[1], p.Lys557del (NM_001194956.2); c.1516AAG[1], p.Lys507del (NM_001282278.2); c.2530AAG[1], p.Lys845del (NM_001194954.2, NM_001194955.2, NM_199189.3); c.2533_2535del (NM_199189.2); short protein forms K507del, K557del, K845del.
Identifiers: ClinVar variation 1464128 (VCV001464128.7), dbSNP rs1232740498, ClinGen allele CA563306208.

ClinVar aggregate classification (germline): Uncertain significance. Review status: criteria provided, multiple submitters, no conflicts (2 of 4 stars). 2 submissions from 2 submitters: Uncertain significance (2). Last evaluated 2023-01-10.

Conditions:
Amyotrophic lateral sclerosis type 21. Also called: VOCAL CORD AND PHARYNGEAL DYSFUNCTION WITH DISTAL MYOPATHY; MYOPATHY, DISTAL, 2. Identifiers: Orphanet 600, Orphanet 803, MedGen C3807521, MONDO:0011632, OMIM 606070.

Submissions (2):

GeneDx
Classification: Uncertain significance. Last evaluated: 2023-01-10. Review status: criteria provided, single submitter. Criteria: GeneDx Variant Classification Process June 2021. Collection method: clinical testing. Allele origin: germline. Affected: yes.
Comment: Not observed at significant frequency in large population cohorts (gnomAD); In-frame deletion of 1 amino acids in a non-repeat region; In silico analysis supports a deleterious effect on protein structure/function; Has not been previously published as pathogenic or benign to our knowledge

Labcorp Genetics (formerly Invitae), Labcorp
Classification: Uncertain significance for Amyotrophic lateral sclerosis type 21. Last evaluated: 2022-11-08. Review status: criteria provided, single submitter. Criteria: Invitae Variant Classification Sherloc (09022015). Collection method: clinical testing. Allele origin: germline.
Comment: In summary, the available evidence is currently insufficient to determine the role of this variant in disease. Therefore, it has been classified as a Variant of Uncertain Significance. Experimental studies and prediction algorithms are not available or were not evaluated, and the functional significance of this variant is currently unknown. This variant has not been reported in the literature in individuals affected with MATR3-related conditions. This variant is present in population databases (no rsID available, gnomAD 0.0009%). This variant, c.2533_2535del, results in the deletion of 1 amino acid(s) of the MATR3 protein (p.Lys845del), but otherwise preserves the integrity of the reading frame.